The following is an entry in ClinVar:

ClinVar aggregate classification (germline): Likely pathogenic (1 of 4 stars; one submission).

Conditions:
Coffin-Siris syndrome 1 (CSS1). Also called: Mental retardation, autosomal dominant 12; ARID1B-Related Coffin-Siris Syndrome. Identifiers: Orphanet 1465, MedGen C3281201, MONDO:0007617, OMIM 135900. Disease mechanism: gain of function.

Submission:

Laboratorio de Genetica e Diagnostico Molecular, Hospital Israelita Albert Einstein
Classification: Likely pathogenic for Coffin-Siris syndrome 1. Last evaluated: 2024-10-24. Review status: criteria provided, single submitter. Criteria: ACMG Guidelines, 2015. Collection method: clinical testing. Allele origin: germline. Affected: yes.
Comment: ACMG classification criteria: PVS1 very strong, PM2 supporting

NM_001374828.1(ARID1B):c.4028_4029insAA (p.His1343fs)

Gene: ARID1B (AT-rich interaction domain 1B; plus strand). Cytogenetic location: 6q25.3.
Variant type: Insertion.
Coding change: c.4028_4029insAA on transcript NM_001374828.1 (MANE Select); coding-DNA positions 4028 to 4029, AA inserted.
Protein change: p.His1343fs; shifts the reading frame from histidine 1343.
Molecular consequence: frameshift variant.
Genome position: GRCh38 VCF-style: chr6-157189749-C-CAA. GRCh37 (hg19) VCF-style: chr6-157510883-C-CAA.
Other names: c.1529_1530insAA, p.His510fs (NM_001363725.2); c.3908_3909insAA, p.His1303fs (NM_001371656.1, NM_001374820.1); c.3869_3870insAA, p.His1290fs (NM_017519.3); short protein forms H1290fs, H1303fs, H1343fs, H510fs.
Identifiers: ClinVar variation 3901076 (VCV003901076.1).